The following is an entry in ClinVar:

NM_017563.5(IL17RD):c.1331C>G (p.Ser444Trp)

Genes: IL17RD (interleukin 17 receptor D; minus strand), LOC126806689 (BRD4-independent group 4 enhancer GRCh37_chr3:57131244-57132443; plus strand). Cytogenetic location: 3p14.3.
Variant type: single nucleotide variant.
Coding change: c.1331C>G on transcript NM_017563.5 (MANE Select); coding-DNA position 1331, C replaced by G.
Protein change: p.Ser444Trp; replaces serine 444 with tryptophan.
Molecular consequence: missense variant.
Genome position (GRCh38, 1-based): chr3:57,098,372, G>C on the plus strand (C>G on the coding strand, the complement: IL17RD is on the minus strand). VCF-style: chr3-57098372-G-C. GRCh37 (hg19) VCF-style: chr3-57132400-G-C.
Other names: c.899C>G, p.Ser300Trp (NM_001318864.2); short protein forms S300W, S444W.
Identifiers: ClinVar variation 5039377 (VCV005039377.1).

ClinVar aggregate classification (germline): Likely benign (1 of 4 stars; one submission).

gnomAD v4.1: 50 of 1,613,884 alleles (0.0031%); highest among the groups gnomAD compares: Middle Eastern, 0.033%; no homozygotes.

Submission:

CeGaT Center for Human Genetics Tuebingen
Classification: Likely benign. Last evaluated: 2026-07-01. Review status: criteria provided, single submitter. Criteria: CeGaT Center For Human Genetics Tuebingen Variant Classification Criteria Version 2. Collection method: clinical testing. Allele origin: germline. Affected: yes. Observed: 1 variant allele.
Comment: IL17RD: BP4